The following is an entry in ClinVar:

ClinVar aggregate classification (germline): Uncertain significance (1 of 4 stars; one submission).

gnomAD v4.1: 1 of 1,614,150 alleles (0.000062%); no homozygotes.

Submission:

Labcorp Genetics (formerly Invitae), Labcorp
Classification: Uncertain significance. Last evaluated: 2025-06-12. Review status: criteria provided, single submitter. Criteria: Invitae Variant Classification Sherloc (09022015). Collection method: clinical testing. Allele origin: germline.
Comment: This sequence change creates a premature translational stop signal (p.Arg440*) in the IGSF10 gene. It is expected to result in an absent or disrupted protein product. However, the current clinical and genetic evidence is not sufficient to establish whether loss-of-function variants in IGSF10 cause disease. This variant is not present in population databases (gnomAD no frequency). This variant has not been reported in the literature in individuals affected with IGSF10-related conditions. ClinVar contains an entry for this variant (Variation ID: 3699235). In summary, the available evidence is currently insufficient to determine the role of this variant in disease. Therefore, it has been classified as a Variant of Uncertain Significance.

NM_178822.5(IGSF10):c.1318A>T (p.Arg440Ter)

Gene: IGSF10 (immunoglobulin superfamily member 10; minus strand). Cytogenetic location: 3q25.1.
Variant type: single nucleotide variant.
Coding change: c.1318A>T on transcript NM_178822.5 (MANE Select); coding-DNA position 1318, A replaced by T.
Protein change: p.Arg440Ter; replaces arginine 440 with a stop codon.
Molecular consequence: nonsense.
Genome position (GRCh38, 1-based): chr3:151,448,663, T>A on the plus strand (A>T on the coding strand, the complement: IGSF10 is on the minus strand). VCF-style: chr3-151448663-T-A. GRCh37 (hg19) VCF-style: chr3-151166451-T-A.
Other names: c.1318A>T, p.Arg440Ter (NM_001385060.1, NM_001385061.1, NM_001385062.1 and 1 more transcripts); short protein forms R440*.
Identifiers: ClinVar variation 3699235 (VCV003699235.2).